The following is an entry in ClinVar:

ClinVar aggregate classification (germline): Likely pathogenic. Review status: criteria provided, multiple submitters, no conflicts (2 of 4 stars). 2 submissions from 2 submitters: Likely pathogenic (2). Last evaluated 2024-04-09.

Conditions:
Combined immunodeficiency due to CD3gamma deficiency. Also called: Immunodeficiency 17; CD3-GAMMA DEFICIENCY; SCID-LIKE IMMUNODEFICIENCY, T CELL-PARTIAL, B CELL-POSITIVE, NK CELL-POSITIVE; Immunodeficiency 17, CD3 gamma deficient. Identifiers: Orphanet 169082, MedGen C3810107, MONDO:0014276, OMIM 615607.

gnomAD v4.1: 14 of 1,614,104 alleles (0.00087%); highest among the groups gnomAD compares: East Asian, 0.031%; no homozygotes.

Submissions (2):

Fulgent Genetics
Classification: Likely pathogenic for Combined immunodeficiency due to CD3gamma deficiency. Last evaluated: 2024-04-09. Review status: criteria provided, single submitter. Criteria: ACMG Guidelines, 2015. Collection method: clinical testing. Allele origin: germline.

Labcorp Genetics (formerly Invitae), Labcorp
Classification: Likely pathogenic for Combined immunodeficiency due to CD3gamma deficiency. Last evaluated: 2024-03-20. Review status: criteria provided, single submitter. Criteria: Invitae Variant Classification Sherloc (09022015). Collection method: clinical testing. Allele origin: germline.
Comment: This sequence change affects an acceptor splice site in intron 1 of the CD3G gene. It is expected to disrupt RNA splicing. Variants that disrupt the donor or acceptor splice site typically lead to a loss of protein function (PMID: 16199547), and loss-of-function variants in CD3G are known to be pathogenic (PMID: 1635567, 17277165, 24910257). This variant is present in population databases (rs565827487, gnomAD 0.06%). This variant has not been reported in the literature in individuals affected with CD3G-related conditions. Algorithms developed to predict the effect of sequence changes on RNA splicing suggest that this variant may disrupt the consensus splice site. In summary, the currently available evidence indicates that the variant is pathogenic, but additional data are needed to prove that conclusively. Therefore, this variant has been classified as Likely Pathogenic.

Literature cited by the submitters: PubMed 16199547 (cited by Labcorp Genetics (formerly Invitae), Labcorp); PubMed 1635567 (cited by Labcorp Genetics (formerly Invitae), Labcorp); PubMed 17277165 (cited by Labcorp Genetics (formerly Invitae), Labcorp); PubMed 24910257 (cited by Labcorp Genetics (formerly Invitae), Labcorp).

NM_000073.3(CD3G):c.56-1G>A

Gene: CD3G (CD3 gamma subunit of T-cell receptor complex; plus strand). Cytogenetic location: 11q23.3.
Variant type: single nucleotide variant.
Coding change: c.56-1G>A on transcript NM_000073.3 (MANE Select); the canonical splice acceptor site of the intron before coding-DNA position 56, G replaced by A.
Molecular consequence: splice acceptor variant.
Genome position (GRCh38, 1-based): chr11:118,349,026, G>A. VCF-style: chr11-118349026-G-A. GRCh37 (hg19) VCF-style: chr11-118219741-G-A.
Identifiers: ClinVar variation 3599123 (VCV003599123.3).